The following is an entry in ClinVar:

ClinVar aggregate classification (germline): Uncertain significance (1 of 4 stars; one submission).

Conditions:
Congenital stationary night blindness 1G. Identifiers: Orphanet 215, MedGen C4225345, MONDO:0014614, OMIM 616389.
Congenital stationary night blindness autosomal dominant 3. Also called: NIGHT BLINDNESS, CONGENITAL STATIONARY, NOUGARET TYPE. Identifiers: Orphanet 215, MedGen C1864870, MONDO:0012497, OMIM 610444.

gnomAD v4.1: 3 of 1,612,400 alleles (0.00019%); highest among the groups gnomAD compares: East Asian, 0.0045%; no homozygotes.

Submission:

Juno Genomics, Hangzhou Juno Genomics, Inc
Classification: Uncertain significance for Congenital stationary night blindness autosomal dominant 3; Congenital stationary night blindness 1G. Review status: criteria provided, single submitter. Criteria: ACMG Guidelines, 2015. Collection method: clinical testing. Allele origin: germline.
Comment: Absent from controls (or at extremely low frequency if recessive) in Genome Aggregation Database.;Multiple lines of computational evidence support a deleterious effect on the gene or gene product.

NM_144499.3(GNAT1):c.413G>A (p.Arg138His)

Gene: GNAT1 (G protein subunit alpha transducin 1; plus strand). Cytogenetic location: 3p21.31.
Variant type: single nucleotide variant.
Coding change: c.413G>A on transcript NM_144499.3 (MANE Select); coding-DNA position 413, G replaced by A.
Protein change: p.Arg138His; replaces arginine 138 with histidine.
Molecular consequence: missense variant.
Genome position (GRCh38, 1-based): chr3:50,193,627, G>A. VCF-style: chr3-50193627-G-A. GRCh37 (hg19) VCF-style: chr3-50231060-G-A.
Other names: c.413G>A, p.Arg138His (NM_000172.4); short protein forms R138H.
Identifiers: ClinVar variation 5006651 (VCV005006651.2).